The following is an entry in ClinVar:

ClinVar aggregate classification (germline): Likely pathogenic (0 of 4 stars; one submission).

Conditions:
Pyruvate dehydrogenase E1-alpha deficiency (PDHAD). Also called: ATAXIA, INTERMITTENT, WITH PYRUVATE DEHYDROGENASE DEFICIENCY; ATAXIA WITH LACTIC ACIDOSIS I; ATAXIA, INTERMITTENT, WITH ABNORMAL PYRUVATE METABOLISM; Ataxia, intermittent, with pyruvate dehydrogenase, or decarboxylase, deficiency. Identifiers: Orphanet 79243, MedGen C1839413, MONDO:0010717, OMIM 312170.

Submission:

PDHA1 Study Group, University Children’s Hospital, Paracelsus Medical University
Classification: Likely pathogenic for Pyruvate dehydrogenase E1-alpha deficiency. Last evaluated: 2024-10-15. Review status: no assertion criteria provided. Collection method: research. Allele origin: inherited. Affected: yes. Observed: 2 variant alleles.
Comment: The NM_000284.3:c.430G>A (p.Gly144Ser) substitution is a missense variant in PDHA1 gene. In total, 2 individuals were diagnosed with PDHA1-related Pyruvate dehydrogenase complex (PDHc) deficiency (MIM #312170). Among them, 2 were confirmed inherited. This variant has been identified in 2 unpublished cases from internal data. Last literature search: July 12, 2024. This variant is absent or extremely rare in population-based cohorts in the Genome Aggregation Database (gnomAD). Individuals harboring this variant presented with clinical features compatible with PDHA1-related PDHc deficiency. In summary, this variant meets criteria to be classified as likely pathogenic (LP) for PDHA1-related PDHc deficiency based on the ACMG/AMP criteria applied: PM1, PM2, PM5, PM7, PP3 (last assessment October 15, 2024).

Literature cited by the submitters: DOI 10.1093/brain/awaf430.

NM_000284.4(PDHA1):c.430G>A (p.Gly144Ser)

Gene: PDHA1 (pyruvate dehydrogenase E1 subunit alpha 1; plus strand). Cytogenetic location: Xp22.12.
Variant type: single nucleotide variant.
Coding change: c.430G>A on transcript NM_000284.4 (MANE Select); coding-DNA position 430, G replaced by A.
Protein change: p.Gly144Ser; replaces glycine 144 with serine.
Molecular consequence: missense variant.
Genome position (GRCh38, 1-based): chrX:19,353,093, G>A. VCF-style: chrX-19353093-G-A. GRCh37 (hg19) VCF-style: chrX-19371211-G-A.
Other names: c.544G>A, p.Gly182Ser (NM_001173454.2); c.451G>A, p.Gly151Ser (NM_001173455.2); c.430G>A, p.Gly144Ser (NM_001173456.2); short protein forms G144S, G151S, G182S.
Identifiers: ClinVar variation 4070500 (VCV004070500.1).